The following is an entry in ClinVar:

ClinVar aggregate classification (germline): Uncertain significance (1 of 4 stars; one submission).

Allele frequency attached by ClinVar (database versions not stated): gnomAD exomes below 0.00001 and 0.00001; ExAC 0.00001; gnomAD 0.00001; TOPMed 0.00001.
gnomAD v4.1: 3 of 1,613,898 alleles (0.00019%); highest among the groups gnomAD compares: Admixed American, 0.0033%; no homozygotes.

Submission:

Labcorp Genetics (formerly Invitae), Labcorp
Classification: Uncertain significance. Last evaluated: 2022-08-21. Review status: criteria provided, single submitter. Criteria: Invitae Variant Classification Sherloc (09022015). Collection method: clinical testing. Allele origin: germline.
Comment: This variant disrupts the p.Gly364 amino acid residue in MYOC. Other variant(s) that disrupt this residue have been determined to be pathogenic (PMID: 9005853, 16466712). This suggests that this residue is clinically significant, and that variants that disrupt this residue are likely to be disease-causing. Algorithms developed to predict the effect of missense changes on protein structure and function (SIFT, PolyPhen-2, Align-GVGD) all suggest that this variant is likely to be disruptive. ClinVar contains an entry for this variant (Variation ID: 1519397). This variant has not been reported in the literature in individuals affected with MYOC-related conditions. This variant is present in population databases (rs771057339, gnomAD 0.006%). This sequence change replaces glycine, which is neutral and non-polar, with serine, which is neutral and polar, at codon 364 of the MYOC protein (p.Gly364Ser). In summary, the available evidence is currently insufficient to determine the role of this variant in disease. Therefore, it has been classified as a Variant of Uncertain Significance.

Literature cited by the submitters: PubMed 9005853; PubMed 16466712.

NM_000261.2(MYOC):c.1090G>A (p.Gly364Ser)

Gene: MYOC (myocilin; minus strand). Cytogenetic location: 1q24.3.
Variant type: single nucleotide variant.
Coding change: c.1090G>A on transcript NM_000261.2 (MANE Select); coding-DNA position 1090, G replaced by A.
Protein change: p.Gly364Ser; replaces glycine 364 with serine.
Molecular consequence: missense variant.
Genome position (GRCh38, 1-based): chr1:171,636,350, C>T on the plus strand (G>A on the coding strand, the complement: MYOC is on the minus strand). VCF-style: chr1-171636350-C-T. GRCh37 (hg19) VCF-style: chr1-171605490-C-T.
Other names: short protein forms G364S.
Identifiers: ClinVar variation 1519397 (VCV001519397.6), dbSNP rs771057339, ClinGen allele CA1244081.